The following is an entry in ClinVar:

NM_016492.5(RANGRF):c.484C>T (p.Pro162Ser)

Genes: RANGRF (RAN guanine nucleotide release factor; plus strand), SLC25A35 (solute carrier family 25 member 35; minus strand). Cytogenetic location: 17p13.1.
Variant type: single nucleotide variant.
Coding change: c.484C>T on transcript NM_016492.5 (MANE Select); coding-DNA position 484, C replaced by T.
Protein change: p.Pro162Ser; replaces proline 162 with serine.
Molecular consequence: missense variant. On other transcripts: 3 prime UTR variant (3), synonymous variant (3), non-coding transcript variant (2).
Genome position (GRCh38, 1-based): chr17:8,289,859, C>T. VCF-style: chr17-8289859-C-T. GRCh37 (hg19) VCF-style: chr17-8193177-C-T.
Other names: c.*267C>T (NM_001177801.2); c.*298C>T (NM_001177802.2); c.*41C>T (NM_001330127.2); c.855G>A, p.Gly285= (NM_001320871.2, NM_001320872.2, NM_201520.3); short protein forms P162S.
Identifiers: ClinVar variation 3008964 (VCV003008964.4), dbSNP rs1246808833, ClinGen allele CA397997375.

ClinVar aggregate classification (germline): Uncertain significance. Review status: criteria provided, multiple submitters, no conflicts (2 of 4 stars). 2 submissions from 2 submitters: Uncertain significance (2). Last evaluated 2025-08-13.

Conditions:
Cardiac arrhythmia. Also called: Cardiac rhythm disease; Arrhythmia. Identifiers: MedGen C0003811, MONDO:0007263, HP:0011675.

Allele frequency attached by ClinVar (database versions not stated): gnomAD 0.00001; TOPMed 0.00001; gnomAD exomes 0.00003.

Submissions (2):

Ambry Genetics
Classification: Uncertain significance. Last evaluated: 2025-08-13. Review status: criteria provided, single submitter. Criteria: Ambry Variant Classification Scheme 2023. Collection method: clinical testing. Allele origin: germline.

Labcorp Genetics (formerly Invitae), Labcorp
Classification: Uncertain significance for Cardiac arrhythmia. Last evaluated: 2024-03-12. Review status: criteria provided, single submitter. Criteria: Invitae Variant Classification Sherloc (09022015). Collection method: clinical testing. Allele origin: germline.
Comment: This sequence change replaces proline, which is neutral and non-polar, with serine, which is neutral and polar, at codon 162 of the RANGRF protein (p.Pro162Ser). This variant is present in population databases (no rsID available, gnomAD 0.003%). This variant has not been reported in the literature in individuals affected with RANGRF-related conditions. An algorithm developed to predict the effect of missense changes on protein structure and function (PolyPhen-2) suggests that this variant is likely to be tolerated. In summary, the available evidence is currently insufficient to determine the role of this variant in disease. Therefore, it has been classified as a Variant of Uncertain Significance.